The following is an entry in ClinVar:

ClinVar aggregate classification (germline): Uncertain significance (1 of 4 stars; one submission).

Submission:

GeneDx
Classification: Uncertain significance. Last evaluated: 2023-01-20. Review status: criteria provided, single submitter. Criteria: GeneDx Variant Classification Process June 2021. Collection method: clinical testing. Allele origin: germline. Affected: yes.
Comment: Not observed at significant frequency in large population cohorts (gnomAD); In silico analysis supports that this missense variant does not alter protein structure/function; Has not been previously published as pathogenic or benign to our knowledge

NM_005445.4(SMC3):c.1450G>C (p.Ala484Pro)

Gene: SMC3 (structural maintenance of chromosomes 3; plus strand). Cytogenetic location: 10q25.2.
Variant type: single nucleotide variant.
Coding change: c.1450G>C on transcript NM_005445.4 (MANE Select); coding-DNA position 1450, G replaced by C.
Protein change: p.Ala484Pro; replaces alanine 484 with proline.
Molecular consequence: missense variant.
Genome position (GRCh38, 1-based): chr10:110,589,932, G>C. VCF-style: chr10-110589932-G-C. GRCh37 (hg19) VCF-style: chr10-112349690-G-C.
Other names: short protein forms A484P.
Identifiers: ClinVar variation 2578304 (VCV002578304.1), dbSNP rs2493126349, ClinGen allele CA378387862.
Genomic context (GRCh38, chr10:110,589,932, plus strand): 5'-GTCTACTTTTTATTTATTAGCTACTTGTGGAGAGAAGAGAATGCAGAACAGCAAGCACTT[G>C]CTGCTAAAAGAGAAGATCTTGAAAAGAAGCAACAACTTCTTAGAGCAGCAACAGGAAAGG-3'
Protein context (NP_005436.1, residues 474-494): REENAEQQAL[Ala484Pro]AKREDLEKKQ